The following is an entry in ClinVar:

ClinVar aggregate classification (germline): Uncertain significance (1 of 4 stars; one submission).

Conditions:
Familial episodic pain syndrome with predominantly lower limb involvement. Also called: Episodic pain syndrome, familial, 3. Identifiers: Orphanet 391384, Orphanet 391392, MedGen C3809899, MONDO:0014247, OMIM 615552.
Hereditary sensory and autonomic neuropathy type 7. Also called: HSAN VII; Neuropathy, hereditary sensory and autonomic, type VII. Identifiers: Orphanet 391397, MedGen C3809882, MONDO:0014244, OMIM 615548.

Allele frequency attached by ClinVar (database versions not stated): TOPMed below 0.00001; ExAC 0.00001; gnomAD 0.00001; gnomAD exomes 0.00001.
gnomAD v4.1: 9 of 1,613,598 alleles (0.00056%); highest among the groups gnomAD compares: East Asian, 0.0022%; no homozygotes.

Submission:

Labcorp Genetics (formerly Invitae), Labcorp
Classification: Uncertain significance for Familial episodic pain syndrome with predominantly lower limb involvement; Hereditary sensory and autonomic neuropathy type 7. Last evaluated: 2023-11-01. Review status: criteria provided, single submitter. Criteria: Invitae Variant Classification Sherloc (09022015). Collection method: clinical testing. Allele origin: germline.
Comment: This sequence change replaces arginine, which is basic and polar, with histidine, which is basic and polar, at codon 225 of the SCN11A protein (p.Arg225His). The frequency data for this variant in the population databases is considered unreliable, as metrics indicate poor data quality at this position in the gnomAD database. This variant has not been reported in the literature in individuals affected with SCN11A-related conditions. Advanced modeling of protein sequence and biophysical properties (such as structural, functional, and spatial information, amino acid conservation, physicochemical variation, residue mobility, and thermodynamic stability) performed at Invitae indicates that this missense variant is expected to disrupt SCN11A protein function with a positive predictive value of 80%. This variant disrupts the p.Arg225 amino acid residue in SCN11A. Other variant(s) that disrupt this residue have been determined to be pathogenic (PMID: 24207120, 28298626, 30046661, 30557356). This suggests that this residue is clinically significant, and that variants that disrupt this residue are likely to be disease-causing. In summary, the available evidence is currently insufficient to determine the role of this variant in disease. Therefore, it has been classified as a Variant of Uncertain Significance.

Literature cited by the submitters: PubMed 24207120; PubMed 28298626; PubMed 30046661; PubMed 30557356.

NM_001349253.2(SCN11A):c.674G>A (p.Arg225His)

Gene: SCN11A (sodium voltage-gated channel alpha subunit 11; minus strand). Cytogenetic location: 3p22.2.
Variant type: single nucleotide variant.
Coding change: c.674G>A on transcript NM_001349253.2 (MANE Select); coding-DNA position 674, G replaced by A.
Protein change: p.Arg225His; replaces arginine 225 with histidine.
Molecular consequence: missense variant.
Genome position (GRCh38, 1-based): chr3:38,925,453, C>T on the plus strand (G>A on the coding strand, the complement: SCN11A is on the minus strand). VCF-style: chr3-38925453-C-T. GRCh37 (hg19) VCF-style: chr3-38966944-C-T.
Other names: c.674G>A, p.Arg225His (NM_014139.3); short protein forms R225H.
Identifiers: ClinVar variation 2934219 (VCV002934219.3), dbSNP rs759631305, ClinGen allele CA2322549.